The following is an entry in ClinVar:

ClinVar aggregate classification (germline): Uncertain significance (1 of 4 stars; one submission).

Conditions:
Early-infantile DEE. Also called: Ohtahara syndrome; Early infantile epileptic encephalopathy with suppression bursts; Early infantile epileptic encephalopathy. Identifiers: Orphanet 1934, MedGen C0393706, MONDO:0800491.

Submission:

Labcorp Genetics (formerly Invitae), Labcorp
Classification: Uncertain significance for Early-infantile DEE. Last evaluated: 2025-02-02. Review status: criteria provided, single submitter. Criteria: Invitae Variant Classification Sherloc (09022015). Collection method: clinical testing. Allele origin: germline.
Comment: This sequence change replaces tryptophan, which is neutral and slightly polar, with arginine, which is basic and polar, at codon 754 of the SCN1A protein (p.Trp754Arg). This variant is not present in population databases (gnomAD no frequency). This missense change has been observed in individual(s) with generalized epilepsy with febrile seizures (PMID: 33895391). Invitae Evidence Modeling of protein sequence and biophysical properties (such as structural, functional, and spatial information, amino acid conservation, physicochemical variation, residue mobility, and thermodynamic stability) indicates that this missense variant is expected to disrupt SCN1A protein function with a positive predictive value of 95%. This variant disrupts the p.Trp754 amino acid residue in SCN1A. Other variant(s) that disrupt this residue have been observed in individuals with SCN1A-related conditions (internal data), which suggests that this may be a clinically significant amino acid residue. In summary, the available evidence is currently insufficient to determine the role of this variant in disease. Therefore, it has been classified as a Variant of Uncertain Significance.

Literature cited by the submitters: PubMed 33895391.

NM_001165963.4(SCN1A):c.2260T>C (p.Trp754Arg)

Gene: SCN1A (sodium voltage-gated channel alpha subunit 1; minus strand). Cytogenetic location: 2q24.3.
Variant type: single nucleotide variant.
Coding change: c.2260T>C on transcript NM_001165963.4 (MANE Select); coding-DNA position 2260, T replaced by C.
Protein change: p.Trp754Arg; replaces tryptophan 754 with arginine.
Molecular consequence: missense variant. On other transcripts: 5 prime UTR variant (1), non-coding transcript variant (1).
Genome position (GRCh38, 1-based): chr2:166,041,386, A>G on the plus strand (T>C on the coding strand, the complement: SCN1A is on the minus strand). VCF-style: chr2-166041386-A-G. GRCh37 (hg19) VCF-style: chr2-166897896-A-G.
Other names: c.2176T>C, p.Trp726Arg (NM_001165964.3, NM_001353957.2, NM_001353958.2); c.2260T>C, p.Trp754Arg (NM_001202435.3, NM_001353948.2); c.2227T>C, p.Trp743Arg (NM_001353949.2, NM_001353950.2, NM_001353951.2 and 2 more transcripts); c.2224T>C, p.Trp742Arg (NM_001353954.2, NM_001353955.2); c.2173T>C, p.Trp725Arg (NM_001353960.2); c.-199T>C (NM_001353961.2); short protein forms W726R, W742R, W754R, W725R, W743R.
Identifiers: ClinVar variation 3677024 (VCV003677024.2).